The following is an entry in ClinVar:

NM_012188.5(FOXI1):c.1113C>T (p.Tyr371=)

Gene: FOXI1 (forkhead box I1; plus strand). Cytogenetic location: 5q35.1.
Variant type: single nucleotide variant.
Coding change: c.1113C>T on transcript NM_012188.5 (MANE Select); coding-DNA position 1113, C replaced by T.
Protein change: p.Tyr371=; no amino-acid change (tyrosine 371 retained).
Molecular consequence: synonymous variant.
Genome position (GRCh38, 1-based): chr5:170,108,587, C>T. VCF-style: chr5-170108587-C-T. GRCh37 (hg19) VCF-style: chr5-169535591-C-T.
Other names: c.828C>T, p.Tyr276= (NM_144769.4).
Identifiers: ClinVar variation 3053306 (VCV003053306.3), dbSNP rs774945168, ClinGen allele CA3555171.

ClinVar aggregate classification (germline): Likely benign. Review status: criteria provided, single submitter (1 of 4 stars). 2 submissions from 2 submitters: Likely benign (1). 1 of the submissions does not count toward it. Last evaluated 2025-10-20.

Conditions:
FOXI1-related disorder. Also called: FOXI1-related condition.

Allele frequency attached by ClinVar (database versions not stated): gnomAD 0.00001; gnomAD exomes 0.00001; ExAC 0.00002; TOPMed 0.00003.

Submissions (2):

Labcorp Genetics (formerly Invitae), Labcorp
Classification: Likely benign. Last evaluated: 2025-10-20. Review status: criteria provided, single submitter. Criteria: Invitae Variant Classification Sherloc (09022015). Collection method: clinical testing. Allele origin: germline.

PreventionGenetics, part of Exact Sciences
Classification: Likely benign for FOXI1-related condition. Last evaluated: 2019-08-13. Review status: no assertion criteria provided. Collection method: clinical testing. Allele origin: germline. Not counted in ClinVar's aggregate classification.
Comment: This variant is classified as likely benign based on ACMG/AMP sequence variant interpretation guidelines (Richards et al. 2015 PMID: 25741868, with internal and published modifications).